The following is an entry in ClinVar:

ClinVar aggregate classification (germline): Uncertain significance. Review status: criteria provided, single submitter (1 of 4 stars). 2 submissions from 2 submitters: Uncertain significance (1). 1 of the submissions does not count toward it. Last evaluated 2024-04-01.

Conditions:
FANCA-related disorder. Also called: FANCA-related condition.

Allele frequency attached by ClinVar (database versions not stated): gnomAD exomes below 0.00001.
gnomAD v4.1: 1 of 1,613,356 alleles (0.000062%); highest among the groups gnomAD compares: Non-Finnish European, 0.000085%; no homozygotes.

Submissions (2):

CeGaT Center for Human Genetics Tuebingen
Classification: Uncertain significance. Last evaluated: 2024-04-01. Review status: criteria provided, single submitter. Criteria: CeGaT Center For Human Genetics Tuebingen Variant Classification Criteria Version 2. Collection method: clinical testing. Allele origin: germline. Affected: yes. Observed: 1 variant allele.
Comment: FANCA: PM2

PreventionGenetics, part of Exact Sciences
Classification: Uncertain significance for FANCA-related condition. Last evaluated: 2023-12-20. Review status: no assertion criteria provided. Collection method: clinical testing. Allele origin: germline. Not counted in ClinVar's aggregate classification.
Comment: The FANCA c.1036T>C variant is predicted to result in the amino acid substitution p.Trp346Arg. To our knowledge, this variant has not been reported in the literature or in a large population database, indicating this variant is rare. At this time, the clinical significance of this variant is uncertain due to the absence of conclusive functional and genetic evidence.

NM_000135.4(FANCA):c.1036T>C (p.Trp346Arg)

Gene: FANCA (FA complementation group A; minus strand). Cytogenetic location: 16q24.3.
Variant type: single nucleotide variant.
Coding change: c.1036T>C on transcript NM_000135.4 (MANE Select); coding-DNA position 1036, T replaced by C.
Protein change: p.Trp346Arg; replaces tryptophan 346 with arginine.
Molecular consequence: missense variant.
Genome position (GRCh38, 1-based): chr16:89,792,518, A>G on the plus strand (T>C on the coding strand, the complement: FANCA is on the minus strand). VCF-style: chr16-89792518-A-G. GRCh37 (hg19) VCF-style: chr16-89858926-A-G.
Other names: c.1036T>C, p.Trp346Arg (NM_001286167.3); short protein forms W346R.
Identifiers: ClinVar variation 3032376 (VCV003032376.21), dbSNP rs2544275960, ClinGen allele CA397466826.